The following is an entry in ClinVar:

NM_001288705.3(CSF1R):c.2792G>A (p.Arg931Lys)

Gene: CSF1R (colony stimulating factor 1 receptor; minus strand). Cytogenetic location: 5q32.
Variant type: single nucleotide variant.
Coding change: c.2792G>A on transcript NM_001288705.3 (MANE Select); coding-DNA position 2792, G replaced by A.
Protein change: p.Arg931Lys; replaces arginine 931 with lysine.
Molecular consequence: missense variant. On other transcripts: non-coding transcript variant (2).
Genome position (GRCh38, 1-based): chr5:150,054,196, C>T on the plus strand (G>A on the coding strand, the complement: CSF1R is on the minus strand). VCF-style: chr5-150054196-C-T. GRCh37 (hg19) VCF-style: chr5-149433759-C-T.
Other names: c.2792G>A, p.Arg931Lys (NM_001349736.2, NM_001375320.1, NM_005211.4); c.2348G>A, p.Arg783Lys (NM_001375321.1); short protein forms R931K, R783K.
Identifiers: ClinVar variation 1906792 (VCV001906792.5), dbSNP rs1220384597, ClinGen allele CA361756291.

ClinVar aggregate classification (germline): Uncertain significance (1 of 4 stars; one submission).

Allele frequency attached by ClinVar (database versions not stated): gnomAD exomes below 0.00001; gnomAD 0.00001; TOPMed 0.00001.
gnomAD v4.1: 2 of 1,611,746 alleles (0.00012%); highest among the groups gnomAD compares: Admixed American, 0.0033%; no homozygotes.

Submission:

Labcorp Genetics (formerly Invitae), Labcorp
Classification: Uncertain significance. Last evaluated: 2022-12-23. Review status: criteria provided, single submitter. Criteria: Invitae Variant Classification Sherloc (09022015). Collection method: clinical testing. Allele origin: germline.
Comment: This sequence change replaces arginine, which is basic and polar, with lysine, which is basic and polar, at codon 931 of the CSF1R protein (p.Arg931Lys). This variant is present in population databases (no rsID available, gnomAD 0.003%). This variant has not been reported in the literature in individuals affected with CSF1R-related conditions. Advanced modeling of protein sequence and biophysical properties (such as structural, functional, and spatial information, amino acid conservation, physicochemical variation, residue mobility, and thermodynamic stability) performed at Invitae indicates that this missense variant is not expected to disrupt CSF1R protein function. In summary, the available evidence is currently insufficient to determine the role of this variant in disease. Therefore, it has been classified as a Variant of Uncertain Significance.